The following is an entry in ClinVar:

NM_004360.5(CDH1):c.1486T>C (p.Ser496Pro)

Gene: CDH1 (cadherin 1; plus strand). Cytogenetic location: 16q22.1.
Variant type: single nucleotide variant.
Coding change: c.1486T>C on transcript NM_004360.5 (MANE Select); coding-DNA position 1486, T replaced by C.
Protein change: p.Ser496Pro; replaces serine 496 with proline.
Molecular consequence: missense variant. On other transcripts: 5 prime UTR variant (2).
Genome position (GRCh38, 1-based): chr16:68,815,680, T>C. VCF-style: chr16-68815680-T-C. GRCh37 (hg19) VCF-style: chr16-68849583-T-C.
Other names: c.1303T>C, p.Ser435Pro (NM_001317184.2); c.-63T>C (NM_001317185.2); c.-334T>C (NM_001317186.2); short protein forms S435P, S496P.
Identifiers: ClinVar variation 2118665 (VCV002118665.4), dbSNP rs2152135006, ClinGen allele CA396463185.

ClinVar aggregate classification (germline): Uncertain significance (1 of 4 stars; one submission).

Conditions:
Hereditary diffuse gastric adenocarcinoma (HDGC). Also called: DIFFUSE GASTRIC AND LOBULAR BREAST CANCER SYNDROME. Identifiers: Orphanet 26106, MedGen C1708349, MONDO:0007648, OMIM 137215.

Submission:

Labcorp Genetics (formerly Invitae), Labcorp
Classification: Uncertain significance for Hereditary diffuse gastric adenocarcinoma. Last evaluated: 2022-03-28. Review status: criteria provided, single submitter. Criteria: Invitae Variant Classification Sherloc (09022015). Collection method: clinical testing. Allele origin: germline.
Comment: In summary, the available evidence is currently insufficient to determine the role of this variant in disease. Therefore, it has been classified as a Variant of Uncertain Significance. Algorithms developed to predict the effect of missense changes on protein structure and function output the following: SIFT: "Tolerated"; PolyPhen-2: "Benign"; Align-GVGD: "Class C0". The proline amino acid residue is found in multiple mammalian species, which suggests that this missense change does not adversely affect protein function. This variant has not been reported in the literature in individuals affected with CDH1-related conditions. This variant is not present in population databases (gnomAD no frequency). This sequence change replaces serine, which is neutral and polar, with proline, which is neutral and non-polar, at codon 496 of the CDH1 protein (p.Ser496Pro).